The following is an entry in ClinVar:

ClinVar aggregate classification (germline): Pathogenic (1 of 4 stars; one submission).

Conditions:
Hereditary cancer-predisposing syndrome. Also called: Neoplastic Syndromes, Hereditary; Tumor predisposition; Hereditary Cancer Syndrome; Hereditary neoplastic syndrome. Identifiers: Orphanet 140162, MedGen C0027672, MeSH D009386, MONDO:0015356.

Submission:

Ambry Genetics
Classification: Pathogenic for Hereditary cancer-predisposing syndrome. Last evaluated: 2021-12-09. Review status: criteria provided, single submitter. Criteria: Ambry Variant Classification Scheme 2023. Collection method: clinical testing. Allele origin: germline.
Comment: The c.813_826del14 pathogenic mutation, located in coding exon 8 of the PMS2 gene, results from a deletion of 14 nucleotides at nucleotide positions 813 to 826, causing a translational frameshift with a predicted alternate stop codon (p.F272Hfs*22). This alteration is expected to result in loss of function by premature protein truncation or nonsense-mediated mRNA decay. As such, this alteration is interpreted as a disease-causing mutation.

NM_000535.7(PMS2):c.813_826del (p.Phe272fs)

Gene: PMS2 (PMS1 homolog 2, mismatch repair system component; minus strand). Cytogenetic location: 7p22.1.
Variant type: Deletion.
Coding change: c.813_826del on transcript NM_000535.7 (MANE Select); coding-DNA positions 813 to 826, 14 bases deleted (TTTCATTTCACAAT).
Protein change: p.Phe272fs; shifts the reading frame from phenylalanine 272.
Molecular consequence: frameshift variant. On other transcripts: 5 prime UTR variant (2), non-coding transcript variant (1).
Genome position (GRCh38, 1-based): chr7:5,995,611-5,995,624, ATTGTGAAATGAAA deleted on the plus strand (TTTCATTTCACAAT on the coding strand, the reverse complement: PMS2 is on the minus strand). VCF-style (leftmost placement, unchanged base first): chr7-5995610-CATTGTGAAATGAAA-C. GRCh37 (hg19) VCF-style: chr7-6035241-CATTGTGAAATGAAA-C.
Other names: c.408_421delTTTCATTTCACAAT, p.Phe137Hisfs (NM_001018040.1, NM_001406887.1, NM_001406888.1 and 15 more transcripts); c.408_421del, p.Phe137fs (NM_001322003.2, NM_001322004.2, NM_001322005.2 and 2 more transcripts); c.813_826del, p.Phe272fs (NM_001322006.2, NM_001322014.2); c.495_508del, p.Phe166fs (NM_001322007.2, NM_001322008.2); c.-121_-108del (NM_001322011.2, NM_001322012.2); c.240_253del, p.Phe81fs (NM_001322013.2); c.504_517del, p.Phe169fs (NM_001322015.2); c.999_1012delTTTCATTTCACAAT, p.Phe334Hisfs (NM_001406866.1); and 10 more; short protein forms F137fs, F169fs, F81fs, F272fs, F166fs.
Identifiers: ClinVar variation 1762133 (VCV001762133.2), dbSNP rs2536154494, ClinGen allele CA2580076809.